The following is an entry in ClinVar:

ClinVar aggregate classification (germline): Uncertain significance (1 of 4 stars; one submission).

Conditions:
Platelet-type bleeding disorder 20 (BDPLT20). Identifiers: Orphanet 466806, MedGen C4310797, MONDO:0014830, OMIM 616913.

Submission:

Laboratorio de Genetica e Diagnostico Molecular, Hospital Israelita Albert Einstein
Classification: Uncertain significance for Platelet-type bleeding disorder 20. Last evaluated: 2025-10-27. Review status: criteria provided, single submitter. Criteria: ACMG Guidelines, 2015. Collection method: clinical testing. Allele origin: germline. Affected: yes.
Comment: ACMG classification criteria: PM2 supporting, PM4 supporting

NM_001129820.2(SLFN14):c.1401_1406del (p.Val468_Leu469del)

Genes: SLFN14 (schlafen family member 14; minus strand), LOC107985033 (uncharacterized LOC107985033; plus strand). Cytogenetic location: 17q12.
Variant type: Deletion.
Coding change: c.1401_1406del on transcript NM_001129820.2 (MANE Select); coding-DNA positions 1401 to 1406, 6 bases deleted (GGTACT; older notation c.1401_1406delGGTACT).
Protein change: p.Val468_Leu469del.
Molecular consequence: non-coding transcript variant (on NR_138031.1).
Genome position (GRCh38, 1-based): chr17:35,553,228-35,553,233, AGTACC deleted on the plus strand (GGTACT on the coding strand, the reverse complement: SLFN14 is on the minus strand); deleting any 6 consecutive bases within chr17:35,553,228-35,553,234 gives the same sequence; the c. name uses the placement nearest the transcript's 3' end. VCF-style (leftmost placement, unchanged base first): chr17-35553227-GAGTACC-G. GRCh37 (hg19) VCF-style: chr17-33880246-GAGTACC-G.
Identifiers: ClinVar variation 4846933 (VCV004846933.1).